The following is an entry in ClinVar:

ClinVar aggregate classification (germline): Likely benign. Review status: criteria provided, multiple submitters, no conflicts (2 of 4 stars). 9 submissions from 9 submitters: Likely benign (8). 1 of the submissions does not count toward it. Last evaluated 2026-01-19.

Conditions:
Gastric cancer. Also called: Stomach cancer; Malignant tumor of stomach. Identifiers: MedGen C0024623, MeSH D013274, MONDO:0001056, OMIM 613659, HP:0012126.
Hereditary cancer-predisposing syndrome. Also called: Neoplastic Syndromes, Hereditary; Hereditary neoplastic syndrome; Hereditary Cancer Syndrome; Tumor predisposition. Identifiers: Orphanet 140162, MedGen C0027672, MeSH D009386, MONDO:0015356.
Familial adenomatous polyposis 2. Also called: MYH-associated polyposis; MUTYH Polyposis; COLORECTAL ADENOMATOUS POLYPOSIS, AUTOSOMAL RECESSIVE; ADENOMAS, MULTIPLE COLORECTAL, AUTOSOMAL RECESSIVE; FAP type 2; MUTYH-associated polyposis. Identifiers: Orphanet 220460, Orphanet 247798, MedGen C3272841, MONDO:0012041, OMIM 608456.

Allele frequency attached by ClinVar (database versions not stated): gnomAD below 0.00001 and 0.00001.
gnomAD v4.1: 44 of 1,614,094 alleles (0.0027%); highest among the groups gnomAD compares: South Asian, 0.043%; no homozygotes.

Submissions (9):

Labcorp Genetics (formerly Invitae), Labcorp
Classification: Likely benign for Familial adenomatous polyposis 2. Last evaluated: 2026-01-19. Review status: criteria provided, single submitter. Criteria: Invitae Variant Classification Sherloc (09022015). Collection method: clinical testing. Allele origin: germline.

Women's Health and Genetics/Laboratory Corporation of America, LabCorp
Classification: Likely benign. Last evaluated: 2025-04-28. Review status: criteria provided, single submitter. Criteria: LabCorp Variant Classification Summary - May 2015. Collection method: clinical testing. Allele origin: germline.

All of Us Research Program, National Institutes of Health
Classification: Likely benign for Familial adenomatous polyposis 2. Last evaluated: 2023-12-18. Review status: criteria provided, single submitter. Criteria: ACMG Guidelines, 2015. Collection method: clinical testing. Allele origin: germline. Inheritance: Autosomal recessive inheritance. Observed: 2 variant alleles, 2 heterozygotes.
Comment: This study involves interpretation of variants in research participants for the purpose of population health screening. Participant phenotype was not available at the time of variant classification. Additional details can be found in publication PMID: 35346344, PMCID: PMC8962531

Quest Diagnostics Nichols Institute San Juan Capistrano
Classification: Likely benign. Last evaluated: 2023-08-25. Review status: criteria provided, single submitter. Criteria: Quest Diagnostics criteria. Collection method: clinical testing. Allele origin: unknown.

Department of Pathology and Laboratory Medicine, Sinai Health System
Classification: Likely benign for Gastric cancer. Last evaluated: 2023-06-21. Review status: criteria provided, single submitter. Criteria: ACMG Guidelines, 2015. Collection method: clinical testing. Allele origin: germline. Affected: yes.

Ambry Genetics
Classification: Likely benign for Hereditary cancer-predisposing syndrome. Last evaluated: 2020-02-13. Review status: criteria provided, single submitter. Criteria: Ambry Variant Classification Scheme 2023. Collection method: clinical testing. Allele origin: germline.

Color Diagnostics, LLC DBA Color Health
Classification: Likely benign for Hereditary cancer-predisposing syndrome. Last evaluated: 2016-11-17. Review status: criteria provided, single submitter. Criteria: ACMG Guidelines, 2015. Collection method: clinical testing. Allele origin: germline.

GeneDx
Classification: Likely benign. Last evaluated: 2016-03-22. Review status: criteria provided, single submitter. Criteria: GeneDx Variant Classification (06012015). Collection method: clinical testing. Allele origin: germline. Affected: yes.
Comment: This variant is considered likely benign or benign based on one or more of the following criteria: it is a conservative change, it occurs at a poorly conserved position in the protein, it is predicted to be benign by multiple in silico algorithms, and/or has population frequency not consistent with disease.

Mayo Clinic Laboratories, Mayo Clinic
Classification: Uncertain significance. Review status: no assertion criteria provided. Collection method: clinical testing. Allele origin: unknown. Not counted in ClinVar's aggregate classification.

NM_001048174.2(MUTYH):c.305-4C>A

Gene: MUTYH (mutY DNA glycosylase; minus strand). Cytogenetic location: 1p34.1.
Variant type: single nucleotide variant.
Coding change: c.305-4C>A on transcript NM_001048174.2 (MANE Select); 4 bases into the intron before coding-DNA position 305, C replaced by A.
Molecular consequence: intron variant.
Genome position (GRCh38, 1-based): chr1:45,333,174, G>T on the plus strand (C>A on the coding strand, the complement: MUTYH is on the minus strand). VCF-style: chr1-45333174-G-T. GRCh37 (hg19) VCF-style: chr1-45798846-G-T.
Other names: c.33+111C>A (NM_001350651.2, NM_001350650.2); c.29-4C>A (NM_001293192.2, NM_001293196.2); c.305-4C>A (NM_001048171.2, NM_001048173.2, NM_001293195.2); c.350-4C>A (NM_001293190.2); c.380-4C>A (NM_012222.3); c.389-4C>A (NM_001128425.2); c.308-4C>A (NM_001048172.2); c.338-4C>A (NM_001293191.2).
Identifiers: ClinVar variation 234180 (VCV000234180.27), dbSNP rs767717597, ClinGen allele CA057684.